The following is an entry in ClinVar:

ClinVar aggregate classification (germline): Uncertain significance (1 of 4 stars; one submission).

Allele frequency attached by ClinVar (database versions not stated): gnomAD 0.00001; TOPMed 0.00002.
gnomAD v4.1: 2 of 1,612,736 alleles (0.00012%); highest among the groups gnomAD compares: Admixed American, 0.0017%; no homozygotes.

Submission:

Labcorp Genetics (formerly Invitae), Labcorp
Classification: Uncertain significance. Last evaluated: 2022-04-25. Review status: criteria provided, single submitter. Criteria: Invitae Variant Classification Sherloc (09022015). Collection method: clinical testing. Allele origin: germline.
Comment: In summary, the available evidence is currently insufficient to determine the role of this variant in disease. Therefore, it has been classified as a Variant of Uncertain Significance. Advanced modeling of protein sequence and biophysical properties (such as structural, functional, and spatial information, amino acid conservation, physicochemical variation, residue mobility, and thermodynamic stability) performed at Invitae indicates that this missense variant is not expected to disrupt COQ8A protein function. This variant has not been reported in the literature in individuals affected with COQ8A-related conditions. This variant is not present in population databases (gnomAD no frequency). This sequence change replaces lysine, which is basic and polar, with arginine, which is basic and polar, at codon 245 of the COQ8A protein (p.Lys245Arg).

NM_020247.5(COQ8A):c.734A>G (p.Lys245Arg)

Gene: COQ8A (coenzyme Q8A; plus strand). Cytogenetic location: 1q42.13.
Variant type: single nucleotide variant.
Coding change: c.734A>G on transcript NM_020247.5 (MANE Select); coding-DNA position 734, A replaced by G.
Protein change: p.Lys245Arg; replaces lysine 245 with arginine.
Molecular consequence: missense variant.
Genome position (GRCh38, 1-based): chr1:226,982,030, A>G. VCF-style: chr1-226982030-A-G. GRCh37 (hg19) VCF-style: chr1-227169731-A-G.
Other names: short protein forms K245R.
Identifiers: ClinVar variation 1940574 (VCV001940574.5), dbSNP rs1464984046, ClinGen allele CA345051771.
Genomic context (GRCh38, chr1:226,982,030, plus strand): 5'-CCATCCCACTCCCAGACCCCCCCGAGTGCCGTGGTGACCCCTCTTGCCCGCCCACAGGGA[A>G]GAAGGCCGTGCTGGGTTCCAGTCCTTTCCTGTCCGAGGCCAATGCAGAGCGGATCGTGCG-3'
Protein context (NP_064632.2, residues 235-255): KSLRSEDPSG[Lys245Arg]KAVLGSSPFL